The following is an entry in ClinVar:

NM_001267550.2(TTN):c.4404T>C (p.Cys1468=)

Genes: TTN (titin; minus strand), LOC101927055 (uncharacterized LOC101927055; plus strand). Cytogenetic location: 2q31.2.
Variant type: single nucleotide variant.
Coding change: c.4404T>C on transcript NM_001267550.2 (MANE Select); coding-DNA position 4404, T replaced by C.
Protein change: p.Cys1468=; no amino-acid change (cysteine 1468 retained).
Molecular consequence: synonymous variant. On other transcripts: non-coding transcript variant (1).
Genome position (GRCh38, 1-based): chr2:178,777,780, A>G on the plus strand (T>C on the coding strand, the complement: TTN is on the minus strand). VCF-style: chr2-178777780-A-G. GRCh37 (hg19) VCF-style: chr2-179642507-A-G.
Other names: c.4266T>C, p.Cys1422= (NM_003319.4, NM_133432.3, NM_133437.4); c.4404T>C, p.Cys1468= (NM_133378.4, NM_133379.5, NM_001256850.1).
Identifiers: ClinVar variation 3251035 (VCV003251035.18), dbSNP rs1432023325.
Genomic context (GRCh38, chr2:178,777,780, plus strand): 5'-CGTCTCTGGCATAGGTCTACCAACAACCTTTAAGTCAAATCTGGCAGTTTGCCCTTCTAA[A>G]CATTTGAAAGAAACAGGTTTTAACACAAAGACTGGTTTATATAGTCTCTCAAGTTGTGAC-3'
Protein context (NP_001254479.2, residues 1458-1478): VFVLKPVSFK[Cys1468=]LEGQTARFDL

ClinVar aggregate classification (germline): Likely benign (1 of 4 stars; one submission).

gnomAD v4.1: 1 of 1,614,054 alleles (0.000062%); no homozygotes.

Submission:

CeGaT Center for Human Genetics Tuebingen
Classification: Likely benign. Last evaluated: 2024-06-01. Review status: criteria provided, single submitter. Criteria: CeGaT Center For Human Genetics Tuebingen Variant Classification Criteria Version 2. Collection method: clinical testing. Allele origin: germline. Affected: yes. Observed: 1 variant allele.
Comment: TTN: BP4, BP7